The following is an entry in ClinVar:

NM_012301.4(MAGI2):c.3567+1G>T

Gene: MAGI2 (membrane associated guanylate kinase, WW and PDZ domain containing 2; minus strand). Cytogenetic location: 7q21.11.
Variant type: single nucleotide variant.
Coding change: c.3567+1G>T on transcript NM_012301.4 (MANE Select); the canonical splice donor site of the intron after coding-DNA position 3567, G replaced by T.
Molecular consequence: splice donor variant.
Genome position (GRCh38, 1-based): chr7:78,125,693, C>A on the plus strand (G>T on the coding strand, the complement: MAGI2 is on the minus strand). VCF-style: chr7-78125693-C-A. GRCh37 (hg19) VCF-style: chr7-77755010-C-A.
Other names: c.3525+1G>T (NM_001301128.2).
Identifiers: ClinVar variation 4847529 (VCV004847529.1).

ClinVar aggregate classification (germline): Likely pathogenic (1 of 4 stars; one submission).

Conditions:
Nephrotic syndrome 15. Identifiers: MedGen C4539896, MONDO:0033262, OMIM 617609.

Submission:

Women's Health and Genetics/Laboratory Corporation of America, LabCorp
Classification: Likely pathogenic for Nephrotic syndrome 15. Last evaluated: 2026-03-03. Review status: criteria provided, single submitter. Criteria: LabCorp Variant Classification Summary - May 2015. Collection method: clinical testing. Allele origin: germline.
Comment: Variant summary: MAGI2 c.3567+1G>T is located in a canonical splice-site and is predicted to affect mRNA splicing resulting in a significantly altered protein due to either exon skipping, shortening, or inclusion of intronic material. Variants that disrupt the consensus splice site are a relatively common cause of aberrant splicing and loss of MAGI2 function. Several computational tools predict a significant impact on normal splicing: Four predict the variant abolishes a 5' splicing donor site and one predicts the variant has no significant impact on splicing. However, these predictions have yet to be confirmed by functional studies. The variant was absent in 251312 control chromosomes. To our knowledge, no occurrence of c.3567+1G>T in individuals affected with MAGI2-related conditions and no experimental evidence demonstrating its impact on protein function have been reported. No submitters have cited clinical-significance assessments for this variant to ClinVar. Based on the evidence outlined above, the variant was classified as likely pathogenic.